The following is an entry in ClinVar:

ClinVar aggregate classification (germline): Uncertain significance. Review status: criteria provided, multiple submitters, no conflicts (2 of 4 stars). 2 submissions from 2 submitters: Uncertain significance (2). Last evaluated 2025-10-15.

Allele frequency attached by ClinVar (database versions not stated): gnomAD exomes below 0.00001.
gnomAD v4.1: 1 of 1,614,180 alleles (0.000062%); highest among the groups gnomAD compares: African/African-American, 0.0013%; no homozygotes.

Submissions (2):

Labcorp Genetics (formerly Invitae), Labcorp
Classification: Uncertain significance. Last evaluated: 2025-10-15. Review status: criteria provided, single submitter. Criteria: Invitae Variant Classification Sherloc (09022015). Collection method: clinical testing. Allele origin: germline.
Comment: This sequence change replaces tyrosine, which is neutral and polar, with cysteine, which is neutral and slightly polar, at codon 362 of the ABCA4 protein (p.Tyr362Cys). This variant is not present in population databases (gnomAD no frequency). This variant has not been reported in the literature in individuals affected with ABCA4-related conditions. ClinVar contains an entry for this variant (Variation ID: 938531). Invitae Evidence Modeling of protein sequence and biophysical properties (such as structural, functional, and spatial information, amino acid conservation, physicochemical variation, residue mobility, and thermodynamic stability) indicates that this missense variant is expected to disrupt ABCA4 protein function with a positive predictive value of 95%. In summary, the available evidence is currently insufficient to determine the role of this variant in disease. Therefore, it has been classified as a Variant of Uncertain Significance.

Blueprint Genetics
Classification: Uncertain significance. Last evaluated: 2022-12-09. Review status: criteria provided, single submitter. Criteria: ACMG Guidelines, 2015. Collection method: clinical testing. Allele origin: germline.

NM_000350.3(ABCA4):c.1085A>G (p.Tyr362Cys)

Gene: ABCA4 (ATP binding cassette subfamily A member 4; minus strand). Cytogenetic location: 1p22.1.
Variant type: single nucleotide variant.
Coding change: c.1085A>G on transcript NM_000350.3 (MANE Select); coding-DNA position 1085, A replaced by G.
Protein change: p.Tyr362Cys; replaces tyrosine 362 with cysteine.
Molecular consequence: missense variant.
Genome position (GRCh38, 1-based): chr1:94,080,492, T>C on the plus strand (A>G on the coding strand, the complement: ABCA4 is on the minus strand). VCF-style: chr1-94080492-T-C. GRCh37 (hg19) VCF-style: chr1-94546048-T-C.
Other names: c.1085A>G, p.Tyr362Cys (NM_001425324.1); short protein forms Y362C.
Identifiers: ClinVar variation 938531 (VCV000938531.9), dbSNP rs1661659953, ClinGen allele CA341283765.